The following is an entry in ClinVar:

ClinVar aggregate classification (germline): Uncertain significance. Review status: criteria provided, multiple submitters, no conflicts (2 of 4 stars). 2 submissions from 2 submitters: Uncertain significance (2). Last evaluated 2025-06-26.

Conditions:
Fraser syndrome 1 (FRASRS1). Also called: CRYPTOPHTHALMOS WITH OTHER MALFORMATIONS. Identifiers: Orphanet 2052, MedGen C4551480, MONDO:0054737, OMIM 219000.
FRAS1-related disorder. Also called: FRAS1-related condition.

gnomAD v4.1: 5 of 1,613,952 alleles (0.00031%); highest among the groups gnomAD compares: Non-Finnish European, 0.000085%; no homozygotes.

Submissions (2):

PreventionGenetics, part of Exact Sciences
Classification: Uncertain significance for FRAS1-related condition. Last evaluated: 2025-06-26. Review status: criteria provided, single submitter. Criteria: ACMG Guidelines, 2015. Collection method: clinical testing. Allele origin: germline.
Comment: The FRAS1 c.4571C>A variant is predicted to result in the amino acid substitution p.Ser1524Tyr. To our knowledge, this variant has not been reported in the literature. This variant is reported in 0.0046% of alleles in individuals of European (Finnish) descent in gnomAD. At this time, the clinical significance of this variant is uncertain due to the absence of conclusive functional and genetic evidence.

Fulgent Genetics
Classification: Uncertain significance for Fraser syndrome 1. Last evaluated: 2024-06-04. Review status: criteria provided, single submitter. Criteria: ACMG Guidelines, 2015. Collection method: clinical testing. Allele origin: germline.

NM_025074.7(FRAS1):c.4571C>A (p.Ser1524Tyr)

Gene: FRAS1 (Fraser extracellular matrix complex subunit 1; plus strand). Cytogenetic location: 4q21.21.
Variant type: single nucleotide variant.
Coding change: c.4571C>A on transcript NM_025074.7 (MANE Select); coding-DNA position 4571, C replaced by A.
Protein change: p.Ser1524Tyr; replaces serine 1524 with tyrosine.
Molecular consequence: missense variant.
Genome position (GRCh38, 1-based): chr4:78,421,893, C>A. VCF-style: chr4-78421893-C-A. GRCh37 (hg19) VCF-style: chr4-79343047-C-A.
Other names: c.4571C>A (NM_025074.6); c.4571C>A, p.Ser1524Tyr (NM_001166133.2); short protein forms S1524Y.
Identifiers: ClinVar variation 3590995 (VCV003590995.2).
Genomic context (GRCh38, chr4:78,421,893, plus strand): 5'-TGATGCTGAGGCCAAATCTCTTCCTCCCAGGTATCATCGAGCACCGGGACCACCCTCACT[C>A]TCCTATCCGGTATTTCACGCAAGAGGATATTAACCAGGGCAAAGTCATGTACCGCCCTCC-3'
Protein context (NP_079350.5, residues 1514-1534): GIIEHRDHPH[Ser1524Tyr]PIRYFTQEDI